The following is an entry in ClinVar:

ClinVar aggregate classification (germline): Uncertain significance (1 of 4 stars; one submission).

Submission:

GeneDx
Classification: Uncertain significance. Last evaluated: 2024-09-16. Review status: criteria provided, single submitter. Criteria: GeneDx Variant Classification Process June 2021. Collection method: clinical testing. Allele origin: germline. Affected: yes.
Comment: Not observed at significant frequency in large population cohorts (gnomAD); In silico analysis supports that this missense variant has a deleterious effect on protein structure/function; Has not been previously published as pathogenic or benign to our knowledge

NM_004984.4(KIF5A):c.2198A>G (p.Asp733Gly)

Gene: KIF5A (kinesin family member 5A; plus strand). Cytogenetic location: 12q13.3.
Variant type: single nucleotide variant.
Coding change: c.2198A>G on transcript NM_004984.4 (MANE Select); coding-DNA position 2198, A replaced by G.
Protein change: p.Asp733Gly; replaces aspartic acid 733 with glycine.
Molecular consequence: missense variant.
Genome position (GRCh38, 1-based): chr12:57,576,378, A>G. VCF-style: chr12-57576378-A-G. GRCh37 (hg19) VCF-style: chr12-57970161-A-G.
Other names: c.1931A>G, p.Asp644Gly (NM_001354705.2); short protein forms D644G, D733G.
Identifiers: ClinVar variation 3770014 (VCV003770014.1).